The following is an entry in ClinVar:

NM_001376.5(DYNC1H1):c.9397C>G (p.Leu3133Val)

Genes: DYNC1H1 (dynein cytoplasmic 1 heavy chain 1; plus strand), LOC126862060 (BRD4-independent group 4 enhancer GRCh37_chr14:102493659-102494858; plus strand). Cytogenetic location: 14q32.31.
Variant type: single nucleotide variant.
Coding change: c.9397C>G on transcript NM_001376.5 (MANE Select); coding-DNA position 9397, C replaced by G.
Protein change: p.Leu3133Val; replaces leucine 3133 with valine.
Molecular consequence: missense variant.
Genome position (GRCh38, 1-based): chr14:102,028,070, C>G. VCF-style: chr14-102028070-C-G. GRCh37 (hg19) VCF-style: chr14-102494407-C-G.
Other names: short protein forms L3133V.
Identifiers: ClinVar variation 4802072 (VCV004802072.1).

ClinVar aggregate classification (germline): Uncertain significance (1 of 4 stars; one submission).

Conditions:
Charcot-Marie-Tooth disease axonal type 2O. Also called: CHARCOT-MARIE-TOOTH NEUROPATHY, AXONAL, TYPE 2O; CHARCOT-MARIE-TOOTH DISEASE, AXONAL, AUTOSOMAL DOMINANT, TYPE 2O; Charcot-Marie-Tooth Neuropathy Type 2O; Charcot-Marie-Tooth disease, axonal, type 20. Identifiers: Orphanet 284232, MedGen C3280220, MONDO:0013644, OMIM 614228.

Submission:

Labcorp Genetics (formerly Invitae), Labcorp
Classification: Uncertain significance for Charcot-Marie-Tooth disease axonal type 2O. Last evaluated: 2025-05-07. Review status: criteria provided, single submitter. Criteria: Invitae Variant Classification Sherloc (09022015). Collection method: clinical testing. Allele origin: germline.
Comment: This sequence change replaces leucine, which is neutral and non-polar, with valine, which is neutral and non-polar, at codon 3133 of the DYNC1H1 protein (p.Leu3133Val). This variant is not present in population databases (gnomAD no frequency). This variant has not been reported in the literature in individuals affected with DYNC1H1-related conditions. Invitae Evidence Modeling of protein sequence and biophysical properties (such as structural, functional, and spatial information, amino acid conservation, physicochemical variation, residue mobility, and thermodynamic stability) indicates that this missense variant is not expected to disrupt DYNC1H1 protein function with a negative predictive value of 95%. In summary, the available evidence is currently insufficient to determine the role of this variant in disease. Therefore, it has been classified as a Variant of Uncertain Significance.